The following is an entry in ClinVar:

ClinVar aggregate classification (germline): Uncertain significance. Review status: criteria provided, multiple submitters, no conflicts (2 of 4 stars). 2 submissions from 2 submitters: Uncertain significance (2). Last evaluated 2026-07-21.

Conditions:
Acromesomelic dysplasia 1, Maroteaux type (AMD1). Also called: ST. HELENA DYSPLASIA; ACROMESOMELIC DYSPLASIA 1. Identifiers: Orphanet 40, MedGen C1864356, MONDO:0011275, OMIM 602875.
Tall stature-scoliosis-macrodactyly of the great toes syndrome. Also called: Epiphyseal chondrodysplasia, miura type. Identifiers: Orphanet 329191, MedGen C4014690, MONDO:0014401, OMIM 615923.
Inborn genetic diseases. Identifiers: MedGen C0950123, MeSH D030342.

Submissions (2):

Ambry Genetics
Classification: Uncertain significance for Inborn genetic diseases. Last evaluated: 2026-07-21. Review status: criteria provided, single submitter. Criteria: Ambry Variant Classification Scheme 2023. Collection method: clinical testing. Allele origin: germline.
Comment: The c.2933G>A (p.C978Y) alteration is located in exon 20 (coding exon 20) of the NPR2 gene. This alteration results from a G to A substitution at nucleotide position 2933, causing the cysteine (C) at amino acid position 978 to be replaced by a tyrosine (Y). This variant was not reported in population-based cohorts in the Genome Aggregation Database (gnomAD). This amino acid position is highly conserved in available vertebrate species. This alteration is predicted to be deleterious by in silico analysis. Based on insufficient or conflicting evidence, the clinical significance of this alteration remains unclear.

Labcorp Genetics (formerly Invitae), Labcorp
Classification: Uncertain significance for Tall stature-scoliosis-macrodactyly of the great toes syndrome; Acromesomelic dysplasia 1, Maroteaux type. Last evaluated: 2025-05-13. Review status: criteria provided, single submitter. Criteria: Invitae Variant Classification Sherloc (09022015). Collection method: clinical testing. Allele origin: germline.
Comment: This sequence change replaces cysteine, which is neutral and slightly polar, with tyrosine, which is neutral and polar, at codon 978 of the NPR2 protein (p.Cys978Tyr). This variant is not present in population databases (gnomAD no frequency). This variant has not been reported in the literature in individuals affected with NPR2-related conditions. Invitae Evidence Modeling of protein sequence and biophysical properties (such as structural, functional, and spatial information, amino acid conservation, physicochemical variation, residue mobility, and thermodynamic stability) indicates that this missense variant is expected to disrupt NPR2 protein function with a positive predictive value of 80%. In summary, the available evidence is currently insufficient to determine the role of this variant in disease. Therefore, it has been classified as a Variant of Uncertain Significance.

NM_003995.4(NPR2):c.2933G>A (p.Cys978Tyr)

Genes: NPR2 (natriuretic peptide receptor 2; plus strand), SPAG8 (sperm associated antigen 8; minus strand). Cytogenetic location: 9p13.3.
Variant type: single nucleotide variant.
Coding change: c.2933G>A on transcript NM_003995.4 (MANE Select); coding-DNA position 2933, G replaced by A.
Protein change: p.Cys978Tyr; replaces cysteine 978 with tyrosine.
Molecular consequence: missense variant. On other transcripts: intron variant (2).
Genome position (GRCh38, 1-based): chr9:35,808,800, G>A. VCF-style: chr9-35808800-G-A. GRCh37 (hg19) VCF-style: chr9-35808797-G-A.
Other names: c.2942G>A, p.Cys981Tyr (NM_001378923.1); c.1201-494C>T (NM_001366760.2); c.1373-494C>T (NM_172312.2); short protein forms C978Y, C981Y.
Identifiers: ClinVar variation 4782535 (VCV004782535.2).